The following is an entry in ClinVar:

ClinVar aggregate classification (germline): Uncertain significance (1 of 4 stars; one submission).

Conditions:
Inborn genetic diseases. Identifiers: MedGen C0950123, MeSH D030342.

Submission:

Ambry Genetics
Classification: Uncertain significance for Inborn genetic diseases. Last evaluated: 2026-01-06. Review status: criteria provided, single submitter. Criteria: Ambry Variant Classification Scheme 2023. Collection method: clinical testing. Allele origin: germline.
Comment: The p.T746S variant (also known as c.2236A>T), located in coding exon 8 of the MECOM gene, results from an A to T substitution at nucleotide position 2236. The threonine at codon 746 is replaced by serine, an amino acid with similar properties. This amino acid position is conserved. In addition, this alteration is predicted to be tolerated by in silico analysis. Based on the available evidence, the clinical significance of this variant remains unclear.

NM_004991.4(MECOM):c.2236A>T (p.Thr746Ser)

Gene: MECOM (MDS1 and EVI1 complex locus; minus strand). Cytogenetic location: 3q26.2.
Variant type: single nucleotide variant.
Coding change: c.2236A>T on transcript NM_004991.4 (MANE Select); coding-DNA position 2236, A replaced by T.
Protein change: p.Thr746Ser; replaces threonine 746 with serine.
Molecular consequence: missense variant.
Genome position (GRCh38, 1-based): chr3:169,115,636, T>A on the plus strand (A>T on the coding strand, the complement: MECOM is on the minus strand). VCF-style: chr3-169115636-T-A. GRCh37 (hg19) VCF-style: chr3-168833424-T-A.
Other names: c.1867A>T, p.Thr623Ser (NM_001105077.4); c.1672A>T, p.Thr558Ser (NM_001105078.4, NM_001164000.2, NM_001205194.2 and 4 more transcripts); c.1675A>T, p.Thr559Ser (NM_001163999.2, NM_001366467.2, NM_001366468.2 and 1 more transcripts); c.2236A>T, p.Thr746Ser (NM_001366466.2); c.1264A>T, p.Thr422Ser (NM_001366473.2); c.700A>T, p.Thr234Ser (NM_001366474.2); short protein forms T422S, T558S, T746S, T234S, T559S, T623S.
Identifiers: ClinVar variation 4842771 (VCV004842771.1).